The following is an entry in ClinVar:

ClinVar aggregate classification (germline): Likely benign (1 of 4 stars; one submission).

Conditions:
UTP4-related disorder. Also called: UTP4-related condition.

gnomAD v4.1: 2 of 1,609,896 alleles (0.00012%); highest among the groups gnomAD compares: Non-Finnish European, 0.00017%; no homozygotes.

Submission:

PreventionGenetics, part of Exact Sciences
Classification: Likely benign for UTP4-related condition. Last evaluated: 2024-10-07. Review status: criteria provided, single submitter. Criteria: ACMG Guidelines, 2015. Collection method: clinical testing. Allele origin: germline.
Comment: This variant is classified as likely benign based on ACMG/AMP sequence variant interpretation guidelines (Richards et al. 2015 PMID: 25741868, with internal and published modifications).

NM_032830.3(UTP4):c.1003-3T>C

Gene: UTP4 (UTP4 small subunit processome component). Cytogenetic location: 16q22.1.
Variant type: single nucleotide variant.
Coding change: c.1003-3T>C on transcript NM_032830.3 (MANE Select); 3 bases into the intron before coding-DNA position 1003, T replaced by C.
Molecular consequence: intron variant.
Genome position (GRCh38, 1-based): chr16:69,153,581, T>C. VCF-style: chr16-69153581-T-C. GRCh37 (hg19) VCF-style: chr16-69187484-T-C.
Other names: c.754-3T>C (NM_001318391.2).
Identifiers: ClinVar variation 4979550 (VCV004979550.1).